The following is an entry in ClinVar:

ClinVar aggregate classification (germline): Uncertain significance. Review status: criteria provided, multiple submitters, no conflicts (2 of 4 stars). 2 submissions from 2 submitters: Uncertain significance (2). Last evaluated 2025-12-28.

Conditions:
Charcot-Marie-Tooth disease axonal type 2U. Also called: CHARCOT-MARIE-TOOTH NEUROPATHY, TYPE 2U; CHARCOT-MARIE-TOOTH DISEASE, AXONAL, AUTOSOMAL DOMINANT, TYPE 2U. Identifiers: Orphanet 397735, MedGen C4084821, MONDO:0014566, OMIM 616280.
Severe early-onset pulmonary alveolar proteinosis due to MARS deficiency. Also called: PULMONARY ALVEOLAR PROTEINOSIS, REUNION ISLAND; Interstitial lung and liver disease. Identifiers: Orphanet 440427, MedGen C4225400, MONDO:0014206, OMIM 615486.

Allele frequency attached by ClinVar (database versions not stated): ExAC 0.00002; gnomAD exomes 0.00004 and 0.00001; TOPMed 0.00001.
gnomAD v4.1: 22 of 1,613,850 alleles (0.0014%); highest among the groups gnomAD compares: East Asian, 0.016%; no homozygotes.

Submissions (2):

Labcorp Genetics (formerly Invitae), Labcorp
Classification: Uncertain significance for Charcot-Marie-Tooth disease axonal type 2U; Severe early-onset pulmonary alveolar proteinosis due to MARS deficiency. Last evaluated: 2025-12-28. Review status: criteria provided, single submitter. Criteria: Invitae Variant Classification Sherloc (09022015). Collection method: clinical testing. Allele origin: germline.
Comment: This sequence change replaces alanine, which is neutral and non-polar, with threonine, which is neutral and polar, at codon 160 of the MARS protein (p.Ala160Thr). This variant is present in population databases (rs764006401, gnomAD 0.04%). This variant has not been reported in the literature in individuals affected with MARS-related conditions. ClinVar contains an entry for this variant (Variation ID: 1681692). An algorithm developed to predict the effect of missense changes on protein structure and function outputs the following: PolyPhen-2: "Benign". The threonine amino acid residue is found in multiple mammalian species, which suggests that this missense change does not adversely affect protein function. In summary, the available evidence is currently insufficient to determine the role of this variant in disease. Therefore, it has been classified as a Variant of Uncertain Significance.

Ambry Genetics
Classification: Uncertain significance. Last evaluated: 2021-10-19. Review status: criteria provided, single submitter. Criteria: Ambry Variant Classification Scheme 2023. Collection method: clinical testing. Allele origin: germline.
Comment: The p.A160T variant (also known as c.478G>A), located in coding exon 5 of the MARS gene, results from a G to A substitution at nucleotide position 478. The alanine at codon 160 is replaced by threonine, an amino acid with similar properties. This amino acid position is conserved. In addition, this alteration is predicted to be tolerated by in silico analysis. Based on the supporting evidence, this variant is unlikely to be causative of Charcot-Marie-Tooth disease (AD); however, its contribution to the development of cytoplasmic methionine-tRNA synthetase deficiency (AR) is uncertain.

NM_004990.4(MARS1):c.478G>A (p.Ala160Thr)

Gene: MARS1 (methionyl-tRNA synthetase 1; plus strand). Cytogenetic location: 12q13.3.
Variant type: single nucleotide variant.
Coding change: c.478G>A on transcript NM_004990.4 (MANE Select); coding-DNA position 478, G replaced by A.
Protein change: p.Ala160Thr; replaces alanine 160 with threonine.
Molecular consequence: missense variant.
Genome position (GRCh38, 1-based): chr12:57,489,959, G>A. VCF-style: chr12-57489959-G-A. GRCh37 (hg19) VCF-style: chr12-57883742-G-A.
Other names: short protein forms A160T.
Identifiers: ClinVar variation 1681692 (VCV001681692.10), dbSNP rs764006401, ClinGen allele CA6650184.
Genomic context (GRCh38, chr12:57,489,959, plus strand): 5'-ACAGAATCTCTAGCCGACATTGTTTTGTGGGGAGCCCTATACCCATTACTGCAAGATCCC[G>A]CCTACCTCCCTGGTGAGAACTGTGCATATCACTCCAACCCTAGGAGCTTGGTGTAGGGGT-3'
Protein context (NP_004981.2, residues 150-170): GALYPLLQDP[Ala160Thr]YLPEELSALH